The following is an entry in ClinVar:

NM_001042492.3(NF1):c.6028G>C (p.Val2010Leu)

Gene: NF1 (neurofibromin 1; plus strand). Cytogenetic location: 17q11.2.
Variant type: single nucleotide variant.
Coding change: c.6028G>C on transcript NM_001042492.3 (MANE Select); coding-DNA position 6028, G replaced by C.
Protein change: p.Val2010Leu; replaces valine 2010 with leucine.
Molecular consequence: missense variant.
Genome position (GRCh38, 1-based): chr17:31,336,354, G>C. VCF-style: chr17-31336354-G-C. GRCh37 (hg19) VCF-style: chr17-29663372-G-C.
Other names: c.5965G>C, p.Val1989Leu (NM_000267.4); short protein forms V1989L, V2010L.
Identifiers: ClinVar variation 1750750 (VCV001750750.2), dbSNP rs2151553210, ClinGen allele CA399011041.

ClinVar aggregate classification (germline): Uncertain significance (1 of 4 stars; one submission).

Conditions:
Cardiovascular phenotype. Identifiers: MedGen CN230736.
Hereditary cancer-predisposing syndrome. Also called: Hereditary Cancer Syndrome; Hereditary neoplastic syndrome; Neoplastic Syndromes, Hereditary; Tumor predisposition. Identifiers: Orphanet 140162, MedGen C0027672, MeSH D009386, MONDO:0015356.

Submission:

Ambry Genetics
Classification: Uncertain significance for Cardiovascular phenotype; Hereditary cancer-predisposing syndrome. Last evaluated: 2021-09-03. Review status: criteria provided, single submitter. Criteria: Ambry Variant Classification Scheme 2023. Collection method: clinical testing. Allele origin: germline.
Comment: The p.V1989L variant (also known as c.5965G>C), located in coding exon 40 of the NF1 gene, results from a G to C substitution at nucleotide position 5965. The valine at codon 1989 is replaced by leucine, an amino acid with highly similar properties. This amino acid position is highly conserved in available vertebrate species. In addition, this alteration is predicted to be deleterious by in silico analysis. Since supporting evidence is limited at this time, the clinical significance of this alteration remains unclear.